The following is an entry in ClinVar:

NM_032043.3(BRIP1):c.-197C>A

Gene: BRIP1 (BRCA1 interacting DNA helicase 1; minus strand). Cytogenetic location: 17q23.2.
Variant type: single nucleotide variant.
Coding change: c.-197C>A on transcript NM_032043.3 (MANE Select); 197 bases upstream of the start codon, C replaced by A.
Molecular consequence: 5 prime UTR variant.
Genome position (GRCh38, 1-based): chr17:61,863,450, G>T on the plus strand (C>A on the coding strand, the complement: BRIP1 is on the minus strand). VCF-style: chr17-61863450-G-T. GRCh37 (hg19) VCF-style: chr17-59940811-G-T.
Identifiers: ClinVar variation 324353 (VCV000324353.6), dbSNP rs180948389, ClinGen allele CA10649752.

ClinVar aggregate classification (germline): Benign/Likely benign. Review status: criteria provided, multiple submitters, no conflicts (2 of 4 stars). 2 submissions from 2 submitters: Benign (1); Likely benign (1). Last evaluated 2018-06-17.

Conditions:
Fanconi anemia complementation group J. Also called: BRIP1-Related Fanconi Anemia. Identifiers: Orphanet 84, MedGen C1836860, MONDO:0012187, OMIM 609054.

Allele frequency attached by ClinVar (database versions not stated): gnomAD 0.00518; TOPMed 0.00565; 1000 Genomes Project 30x 0.00593; 1000 Genomes Project 0.00599.

Submissions (2):

GeneDx
Classification: Likely benign. Last evaluated: 2018-06-17. Review status: criteria provided, single submitter. Criteria: GeneDx Variant Classification (06012015). Collection method: clinical testing. Allele origin: germline. Affected: yes.
Comment: This variant is considered likely benign or benign based on one or more of the following criteria: it is a conservative change, it occurs at a poorly conserved position in the protein, it is predicted to be benign by multiple in silico algorithms, and/or has population frequency not consistent with disease.

Illumina Laboratory Services, Illumina
Classification: Benign for Fanconi anemia complementation group J. Last evaluated: 2018-01-13. Review status: criteria provided, single submitter. Criteria: ICSL Variant Classification Criteria 13 December 2019. Collection method: clinical testing. Allele origin: germline.
Comment: This variant was observed in the ICSL laboratory as part of a predisposition screen in an ostensibly healthy population. It had not been previously curated by ICSL or reported in the Human Gene Mutation Database (HGMD: prior to June 1st, 2018), and was therefore a candidate for classification through an automated scoring system. Utilizing variant allele frequency, disease prevalence and penetrance estimates, and inheritance mode, an automated score was calculated to assess if this variant is too frequent to cause the disease. Based on the score and internal cut-off values, a variant classified as benign is not then subjected to further curation. The score for this variant resulted in a classification of benign for this disease.